The following is an entry in ClinVar:

ClinVar aggregate classification (germline): Uncertain significance (1 of 4 stars; one submission).

Conditions:
Luscan-Lumish syndrome. Identifiers: Orphanet 597738, MedGen C4085873, MONDO:0014791, OMIM 616831.
Intellectual developmental disorder, autosomal dominant 70. Identifiers: MedGen C5774271, MONDO:0859333, OMIM 620157.
Rabin-Pappas syndrome. Identifiers: MedGen C5774269, MONDO:0859331, OMIM 620155.

Allele frequency attached by ClinVar (database versions not stated): gnomAD exomes 0.00004; ExAC 0.00002; gnomAD 0.00001; TOPMed 0.00002.
gnomAD v4.1: 67 of 1,613,808 alleles (0.0042%); highest among the groups gnomAD compares: Non-Finnish European, 0.0049%; no homozygotes.

Submission:

Center for Genomics, Ann and Robert H. Lurie Children's Hospital of Chicago
Classification: Uncertain significance for Luscan-Lumish syndrome; Intellectual developmental disorder, autosomal dominant 70; Rabin-Pappas syndrome. Review status: criteria provided, single submitter. Criteria: ACMG Guidelines, 2015. Collection method: clinical testing. Allele origin: germline.
Comment: This variant has not been reported in the literature but is present in the Genome Aggregation Database (Highest reported MAF 0.001% (1/68050). Evolutionary conservation and computational predictive tools for this variant are limited or unavailable. Of note, this variant is a silent variant and does not change the amino acid, reducing the probability that this variant is disease causing. In summary, data on this variant is insufficient for disease classification. Therefore, the clinical significance of this variant is uncertain.

NM_014159.7(SETD2):c.2589T>A (p.Ser863=)

Gene: SETD2 (SET domain containing 2, histone lysine methyltransferase; minus strand). Cytogenetic location: 3p21.31.
Variant type: single nucleotide variant.
Coding change: c.2589T>A on transcript NM_014159.7 (MANE Select); coding-DNA position 2589, T replaced by A.
Protein change: p.Ser863=; no amino-acid change (serine 863 retained).
Molecular consequence: synonymous variant. On other transcripts: non-coding transcript variant (1).
Genome position (GRCh38, 1-based): chr3:47,122,047, A>T on the plus strand (T>A on the coding strand, the complement: SETD2 is on the minus strand). VCF-style: chr3-47122047-A-T. GRCh37 (hg19) VCF-style: chr3-47163537-A-T.
Other names: c.2457T>A, p.Ser819= (NM_001349370.3).
Identifiers: ClinVar variation 2500086 (VCV002500086.2), dbSNP rs759801297, ClinGen allele CA2363512.
Genomic context (GRCh38, chr3:47,122,047, plus strand): 5'-AAGAGATGAAGCAATACCTGAACTCCCAATAGGTTGATATAAATCATCAAAATGATTAAC[A>T]GAAGCTGAACTAGTGCTACCGATGCTCTGCTTATATTCTTCACATGCAAATTTTGAGTGA-3'
Protein context (NP_054878.5, residues 853-873): KQSIGSTSSA[Ser863=]VNHFDDLYQP